The following is an entry in ClinVar:

NM_024496.4(IRF2BPL):c.368_369insACAGCAGCAGCAGCAGCAGCA (p.Gln127_Leu128insGlnGlnGlnGlnGlnGlnGln)

Gene: IRF2BPL (interferon regulatory factor 2 binding protein like; minus strand). Cytogenetic location: 14q24.3.
Variant type: Microsatellite.
Coding change: c.368_369insACAGCAGCAGCAGCAGCAGCA on transcript NM_024496.4 (MANE Select); coding-DNA positions 368 to 369, ACAGCAGCAGCAGCAGCAGCA inserted.
Protein change: p.Gln127_Leu128insGlnGlnGlnGlnGlnGlnGln.
Molecular consequence: inframe insertion.
Genome position: GRCh38 VCF-style: chr14-77027424-C-CTGCTGCTGCTGCTGCTGCTGT. GRCh37 (hg19) VCF-style: chr14-77493767-C-CTGCTGCTGCTGCTGCTGCTGT.
Identifiers: ClinVar variation 2644411 (VCV002644411.24), dbSNP rs1555377491.

ClinVar aggregate classification (germline): Benign (1 of 4 stars; one submission).

Submission:

CeGaT Center for Human Genetics Tuebingen
Classification: Benign. Last evaluated: 2023-05-01. Review status: criteria provided, single submitter. Criteria: CeGaT Center For Human Genetics Tuebingen Variant Classification Criteria Version 2. Collection method: clinical testing. Allele origin: germline. Affected: yes. Observed: 1 variant allele.
Comment: IRF2BPL: BS1, BS2